The following is an entry in ClinVar:

ClinVar aggregate classification (germline): Likely pathogenic (1 of 4 stars; one submission).

Conditions:
Bethlem myopathy 1A. Also called: MYOPATHY, BENIGN CONGENITAL, WITH CONTRACTURES; Bethlem myopathy 1; Bethlem Muscular Dystrophy. Identifiers: Orphanet 610, MedGen CN029274, MONDO:0024530, OMIM 158810.

Submission:

Labcorp Genetics (formerly Invitae), Labcorp
Classification: Likely pathogenic for Bethlem myopathy 1A. Last evaluated: 2023-08-21. Review status: criteria provided, single submitter. Criteria: Invitae Variant Classification Sherloc (09022015). Collection method: clinical testing. Allele origin: unknown.
Comment: In summary, the currently available evidence indicates that the variant is pathogenic, but additional data are needed to prove that conclusively. Therefore, this variant has been classified as Likely Pathogenic. This variant has not been reported in the literature in individuals affected with COL6A1-related conditions. This variant results in the deletion of exons 4-7 and part of exon 8 (c.429-773_783del) of the COL6A1 gene. It is expected to disrupt RNA splicing. Variants that disrupt the donor or acceptor splice site typically lead to a loss of protein function (PMID: 16199547), and loss-of-function variants in COL6A1 are known to be pathogenic (PMID: 19884007, 20976770).

Literature cited by the submitters: PubMed 16199547; PubMed 19884007; PubMed 20976770.

NC_000021.8:g.(?_47405667)_(47407547_?)del

Gene: COL6A1 (collagen type VI alpha 1 chain; plus strand). Cytogenetic location: 21q22.3.
Variant type: Deletion.
Identifiers: ClinVar variation 3248166 (VCV003248166.1).